The following is an entry in ClinVar:

ClinVar aggregate classification (germline): Uncertain significance (1 of 4 stars; one submission).

Submission:

Labcorp Genetics (formerly Invitae), Labcorp
Classification: Uncertain significance. Last evaluated: 2024-11-22. Review status: criteria provided, single submitter. Criteria: Invitae Variant Classification Sherloc (09022015). Collection method: clinical testing. Allele origin: germline.
Comment: This variant, c.1086_1088dup, results in the insertion of 1 amino acid(s) of the PRDM13 protein (p.His363dup), but otherwise preserves the integrity of the reading frame. The frequency data for this variant in the population databases is considered unreliable, as metrics indicate poor data quality at this position in the gnomAD database. This variant has not been reported in the literature in individuals affected with PRDM13-related conditions. In summary, the available evidence is currently insufficient to determine the role of this variant in disease. Therefore, it has been classified as a Variant of Uncertain Significance.

NM_021620.4(PRDM13):c.1077CCA[5] (p.His363_Pro364insHis)

Genes: PRDM13 (PR/SET domain 13; plus strand), LOC129996881 (ATAC-STARR-seq lymphoblastoid silent region 17422; plus strand). Cytogenetic location: 6q16.2.
Variant type: Microsatellite.
Coding change: c.1077CCA[5] on transcript NM_021620.4 (MANE Select); five copies in a row of the 3-base unit CCA starting at c.1077; the reference has four copies in a row; one copy, 3 bases duplicated.
Protein change: p.His363_Pro364insHis.
Molecular consequence: inframe insertion.
Genome position (GRCh38, 1-based): chr6:99,613,721-99,613,723, CCA duplicated; duplicating any 3 consecutive bases within chr6:99,613,710-99,613,723 gives the same sequence; the position shown is the placement nearest the transcript's 3' end. VCF-style (leftmost placement, unchanged base first): chr6-99613709-G-GCAC. GRCh37 (hg19) VCF-style: chr6-100061585-G-GCAC.
Identifiers: ClinVar variation 1908808 (VCV001908808.5), dbSNP rs753735172, ClinGen allele CA3936313.